The following is an entry in ClinVar:

NM_018297.4(NGLY1):c.798del (p.Ser267fs)

Gene: NGLY1 (N-glycanase 1; minus strand). Cytogenetic location: 3p24.2.
Variant type: Deletion.
Coding change: c.798del on transcript NM_018297.4 (MANE Select); coding-DNA position 798, one base deleted (C; older notation c.798delC).
Protein change: p.Ser267fs; shifts the reading frame from serine 267.
Molecular consequence: frameshift variant.
Genome position (GRCh38, 1-based): chr3:25,739,660, G deleted on the plus strand (C on the coding strand, the reverse complement: NGLY1 is on the minus strand); the first of 3 consecutive G bases (chr3:25,739,660-25,739,662); deleting any one gives the same sequence. VCF-style (leftmost placement, unchanged base first): chr3-25739659-TG-T. GRCh37 (hg19) VCF-style: chr3-25781150-TG-T.
Other names: c.798del, p.Ser267fs (NM_001145293.2, NM_001145295.2); c.672del, p.Ser225fs (NM_001145294.2); short protein forms S225fs, S267fs.
Identifiers: ClinVar variation 817497 (VCV000817497.1), dbSNP rs1575622147, ClinGen allele CA915941878.

ClinVar aggregate classification (germline): Likely pathogenic (1 of 4 stars; one submission).

Submission:

GeneDx
Classification: Likely pathogenic. Last evaluated: 2019-03-22. Review status: criteria provided, single submitter. Criteria: GeneDx Variant Classification (06012015). Collection method: clinical testing. Allele origin: germline. Affected: yes.
Comment: A variant that is likely pathogenic has been identified in the NGLY1 gene. The c.798delC variant has not been published as a pathogenic variant, nor has it been reported as a benign variant to our knowledge. The c.798delC variant is not observed in large population cohorts (Lek et al., 2016). The c.798delC variant causes a frameshift starting with codon Serine 267, changes this amino acid to a Valine residue and creates a premature Stop codon at position 5 of the new reading frame, denoted p.Ser267ValfsX5. This likely pathogenic variant is predicted to cause loss of normal protein function either through protein truncation or nonsense-mediated mRNA decay. Therefore, this variant is likely pathogenic; however, the possibility that it is benign cannot be excluded.